The following is an entry in ClinVar:

NM_006892.4(DNMT3B):c.57C>G (p.Asp19Glu)

Gene: DNMT3B (DNA methyltransferase 3 beta; plus strand). Cytogenetic location: 20q11.21.
Variant type: single nucleotide variant.
Coding change: c.57C>G on transcript NM_006892.4 (MANE Select); coding-DNA position 57, C replaced by G.
Protein change: p.Asp19Glu; replaces aspartic acid 19 with glutamic acid.
Molecular consequence: missense variant.
Genome position (GRCh38, 1-based): chr20:32,780,380, C>G. VCF-style: chr20-32780380-C-G. GRCh37 (hg19) VCF-style: chr20-31368186-C-G.
Other names: c.57C>G, p.Asp19Glu (NM_001207055.2, NM_001207056.2, NM_175848.2 and 1 more transcripts); c.93C>G, p.Asp31Glu (NM_175850.3); short protein forms D31E, D19E.
Identifiers: ClinVar variation 2058708 (VCV002058708.4), dbSNP rs774816105, ClinGen allele CA408584778.

ClinVar aggregate classification (germline): Uncertain significance (1 of 4 stars; one submission).

Conditions:
Centromeric instability of chromosomes 1,9 and 16 and immunodeficiency (ICF1). Also called: IMMUNE DEFICIENCY, VARIABLE, WITH CENTROMERIC INSTABILITY OF CHROMOSOMES 1, 9, AND 16; IMMUNODEFICIENCY SYNDROME, VARIABLE; CENTROMERIC INSTABILITY, IMMUNODEFICIENCY SYNDROME; Immunodeficiency-centromeric instability-facial anomalies. Identifiers: Orphanet 2268, MedGen C0398788, MONDO:0000133.

gnomAD v4.1: 1 of 1,613,924 alleles (0.000062%); highest among the groups gnomAD compares: Non-Finnish European, 0.000085%; no homozygotes.

Submission:

Labcorp Genetics (formerly Invitae), Labcorp
Classification: Uncertain significance for Centromeric instability of chromosomes 1,9 and 16 and immunodeficiency. Last evaluated: 2021-12-24. Review status: criteria provided, single submitter. Criteria: Invitae Variant Classification Sherloc (09022015). Collection method: clinical testing. Allele origin: germline.
Comment: In summary, the available evidence is currently insufficient to determine the role of this variant in disease. Therefore, it has been classified as a Variant of Uncertain Significance. Algorithms developed to predict the effect of missense changes on protein structure and function output the following: SIFT: "Tolerated"; PolyPhen-2: "Probably Damaging"; Align-GVGD: "Class C0". The glutamic acid amino acid residue is found in multiple mammalian species, which suggests that this missense change does not adversely affect protein function. This variant has not been reported in the literature in individuals affected with DNMT3B-related conditions. This variant is not present in population databases (gnomAD no frequency). This sequence change replaces aspartic acid, which is acidic and polar, with glutamic acid, which is acidic and polar, at codon 19 of the DNMT3B protein (p.Asp19Glu).